The following is an entry in ClinVar:

ClinVar aggregate classification (germline): Uncertain significance (1 of 4 stars; one submission).

Allele frequency attached by ClinVar (database versions not stated): gnomAD exomes below 0.00001; TOPMed 0.00001; gnomAD 0.00001.
gnomAD v4.1: 2 of 1,599,346 alleles (0.00013%); highest among the groups gnomAD compares: Admixed American, 0.0017%; no homozygotes.

Submission:

GeneDx
Classification: Uncertain significance. Last evaluated: 2026-09-01. Review status: criteria provided, single submitter. Criteria: GeneDx Variant Classification Process June 2021. Collection method: clinical testing. Allele origin: germline.
Comment: In silico analysis supports that this missense variant has a deleterious effect on protein structure/function; Has not been previously published as pathogenic or benign to our knowledge

NM_014975.3(MAST1):c.2424C>A (p.Ser808Arg)

Genes: MAST1 (microtubule associated serine/threonine kinase 1; plus strand), LOC112543452 (Sharpr-MPRA regulatory region 6054; plus strand). Cytogenetic location: 19p13.13.
Variant type: single nucleotide variant.
Coding change: c.2424C>A on transcript NM_014975.3 (MANE Select); coding-DNA position 2424, C replaced by A.
Protein change: p.Ser808Arg; replaces serine 808 with arginine.
Molecular consequence: missense variant.
Genome position (GRCh38, 1-based): chr19:12,867,835, C>A. VCF-style: chr19-12867835-C-A. GRCh37 (hg19) VCF-style: chr19-12978649-C-A.
Other names: short protein forms S808R.
Identifiers: ClinVar variation 1313712 (VCV001313712.3), dbSNP rs770208696, ClinGen allele CA404279317.